The following is an entry in ClinVar:

NC_000005.9:g.(?_70939626)_(70948601_?)del

Gene: MCCC2 (methylcrotonyl-CoA carboxylase subunit 2; plus strand). Cytogenetic location: 5q13.2.
Variant type: Deletion.
Identifiers: ClinVar variation 3246354 (VCV003246354.1).

ClinVar aggregate classification (germline): Pathogenic (1 of 4 stars; one submission).

Conditions:
3-methylcrotonyl-CoA carboxylase 2 deficiency. Also called: 3 alpha methylcrotonyl-CoA carboxylase 2 deficiency; 3 alpha methylcrotonylglycinuria 2; MCC 2 deficiency; Methylcrotonylglycinuria type 2; METHYLCROTONYLGLYCINURIA, TYPE II. Identifiers: Orphanet 6, MedGen C1859499, MONDO:0008862, OMIM 210210.

Submission:

Labcorp Genetics (formerly Invitae), Labcorp
Classification: Pathogenic for 3-methylcrotonyl-CoA carboxylase 2 deficiency. Last evaluated: 2023-09-19. Review status: criteria provided, single submitter. Criteria: Invitae Variant Classification Sherloc (09022015). Collection method: clinical testing. Allele origin: unknown.
Comment: This variant is a gross deletion of the genomic region encompassing exon(s) 12-16 of the MCCC2 gene. While this deletion is not anticipated to lead to nonsense mediated decay, it is expected to disrupt the C-terminus of the protein. This variant has not been reported in the literature in individuals affected with MCCC2-related conditions. This variant disrupts a region of the MCCC2 protein in which other variant(s) (p.Asn403Ser) have been determined to be pathogenic (Invitae). This suggests that this is a clinically significant region of the protein, and that variants that disrupt it are likely to be disease-causing. For these reasons, this variant has been classified as Pathogenic.